The following is an entry in ClinVar:

ClinVar aggregate classification (germline): Uncertain significance (1 of 4 stars; one submission).

Conditions:
Periodontitis, aggressive. Identifiers: MedGen C0031106, MONDO:0980757.
Haim-Munk syndrome (HMS). Also called: COCHIN JEWISH DISORDER; KERATOSIS PALMOPLANTARIS WITH PERIODONTOPATHIA AND ONYCHOGRYPOSIS. Identifiers: Orphanet 2342, MedGen C1855627, MONDO:0009491, OMIM 245010.
Papillon-Lefèvre syndrome (PALS). Also called: Papillon-Lefevre Disease; KERATOSIS PALMOPLANTARIS WITH PERIODONTOPATHIA. Identifiers: Orphanet 678, MedGen C0030360, MONDO:0009490, OMIM 245000.

Submission:

Labcorp Genetics (formerly Invitae), Labcorp
Classification: Uncertain significance for Haim-Munk syndrome; Periodontitis, aggressive; Papillon-Lefèvre syndrome. Last evaluated: 2022-11-08. Review status: criteria provided, single submitter. Criteria: Invitae Variant Classification Sherloc (09022015). Collection method: clinical testing. Allele origin: germline.
Comment: Advanced modeling of protein sequence and biophysical properties (such as structural, functional, and spatial information, amino acid conservation, physicochemical variation, residue mobility, and thermodynamic stability) performed at Invitae indicates that this missense variant is expected to disrupt CTSC protein function. This sequence change replaces alanine, which is neutral and non-polar, with threonine, which is neutral and polar, at codon 449 of the CTSC protein (p.Ala449Thr). This variant is not present in population databases (gnomAD no frequency). This variant has not been reported in the literature in individuals affected with CTSC-related conditions. ClinVar contains an entry for this variant (Variation ID: 654717). In summary, the available evidence is currently insufficient to determine the role of this variant in disease. Therefore, it has been classified as a Variant of Uncertain Significance.

NM_001814.6(CTSC):c.1345G>A (p.Ala449Thr)

Gene: CTSC (cathepsin C; minus strand). Cytogenetic location: 11q14.2.
Variant type: single nucleotide variant.
Coding change: c.1345G>A on transcript NM_001814.6 (MANE Select); coding-DNA position 1345, G replaced by A.
Protein change: p.Ala449Thr; replaces alanine 449 with threonine.
Molecular consequence: missense variant.
Genome position (GRCh38, 1-based): chr11:88,294,053, C>T on the plus strand (G>A on the coding strand, the complement: CTSC is on the minus strand). VCF-style: chr11-88294053-C-T. GRCh37 (hg19) VCF-style: chr11-88027221-C-T.
Other names: short protein forms A449T.
Identifiers: ClinVar variation 654717 (VCV000654717.8), dbSNP rs921439402, ClinGen allele CA382021343.